The following is an entry in ClinVar:

ClinVar aggregate classification (germline): Uncertain significance (1 of 4 stars; one submission).

Conditions:
POLD1-related polyposis and colorectal cancer syndrome (CRCS10). Also called: Colorectal cancer 10; COLORECTAL CANCER, SUSCEPTIBILITY TO, ON CHROMOSOME 19q; Colorectal cancer, susceptibility to, 10. Identifiers: Orphanet 220460, MedGen C2675481, MONDO:0012953, OMIM 612591.

Submission:

Labcorp Genetics (formerly Invitae), Labcorp
Classification: Uncertain significance for POLD1-related polyposis and colorectal cancer syndrome. Last evaluated: 2024-11-09. Review status: criteria provided, single submitter. Criteria: Invitae Variant Classification Sherloc (09022015). Collection method: clinical testing. Allele origin: germline.
Comment: This sequence change replaces glycine, which is neutral and non-polar, with arginine, which is basic and polar, at codon 828 of the POLD1 protein (p.Gly828Arg). This variant is not present in population databases (gnomAD no frequency). This variant has not been reported in the literature in individuals affected with POLD1-related conditions. Invitae Evidence Modeling of protein sequence and biophysical properties (such as structural, functional, and spatial information, amino acid conservation, physicochemical variation, residue mobility, and thermodynamic stability) indicates that this missense variant is expected to disrupt POLD1 protein function with a positive predictive value of 80%. In summary, the available evidence is currently insufficient to determine the role of this variant in disease. Therefore, it has been classified as a Variant of Uncertain Significance.

NM_002691.4(POLD1):c.2482G>C (p.Gly828Arg)

Gene: POLD1 (DNA polymerase delta 1, catalytic subunit; plus strand). Cytogenetic location: 19q13.33.
Variant type: single nucleotide variant.
Coding change: c.2482G>C on transcript NM_002691.4 (MANE Select); coding-DNA position 2482, G replaced by C.
Protein change: p.Gly828Arg; replaces glycine 828 with arginine.
Molecular consequence: missense variant. On other transcripts: non-coding transcript variant (1).
Genome position (GRCh38, 1-based): chr19:50,414,908, G>C. VCF-style: chr19-50414908-G-C. GRCh37 (hg19) VCF-style: chr19-50918165-G-C.
Other names: c.2482G>C, p.Gly828Arg (NM_001256849.1); c.2560G>C, p.Gly854Arg (NM_001308632.1); short protein forms G854R, G828R.
Identifiers: ClinVar variation 3667410 (VCV003667410.2).